The following is an entry in ClinVar:

ClinVar aggregate classification (germline): Likely pathogenic (1 of 4 stars; one submission).

Conditions:
Actin accumulation myopathy (CMYO2A). Also called: Myopathy, actin, congenital, with cores; Nemaline myopathy 3, with intranuclear rods; Nemaline myopathy type 3; Myopathy, actin, congenital, with excess of thin myofilaments; CONGENITAL MYOPATHY 2A, TYPICAL, AUTOSOMAL DOMINANT. Identifiers: Orphanet 98904, MedGen C3711389, MONDO:0008070, OMIM 161800.

Submission:

Labcorp Genetics (formerly Invitae), Labcorp
Classification: Likely pathogenic for Actin accumulation myopathy. Last evaluated: 2022-04-19. Review status: criteria provided, single submitter. Criteria: Invitae Variant Classification Sherloc (09022015). Collection method: clinical testing. Allele origin: germline.
Comment: This sequence change replaces asparagine, which is neutral and polar, with histidine, which is basic and polar, at codon 282 of the ACTA1 protein (p.Asn282His). This variant is not present in population databases (gnomAD no frequency). This variant has not been reported in the literature in individuals affected with ACTA1-related conditions. Advanced modeling of protein sequence and biophysical properties (such as structural, functional, and spatial information, amino acid conservation, physicochemical variation, residue mobility, and thermodynamic stability) performed at Invitae indicates that this missense variant is expected to disrupt ACTA1 protein function. This variant disrupts the p.Asn282 amino acid residue in ACTA1. Other variant(s) that disrupt this residue have been determined to be pathogenic (PMID: 10508519, 15226407). This suggests that this residue is clinically significant, and that variants that disrupt this residue are likely to be disease-causing. In summary, the currently available evidence indicates that the variant is pathogenic, but additional data are needed to prove that conclusively. Therefore, this variant has been classified as Likely Pathogenic.

Literature cited by the submitters: PubMed 10508519; PubMed 15226407.

NM_001100.4(ACTA1):c.844A>C (p.Asn282His)

Gene: ACTA1 (actin alpha 1, skeletal muscle; minus strand). Cytogenetic location: 1q42.13.
Variant type: single nucleotide variant.
Coding change: c.844A>C on transcript NM_001100.4 (MANE Select); coding-DNA position 844, A replaced by C.
Protein change: p.Asn282His; replaces asparagine 282 with histidine.
Molecular consequence: missense variant.
Genome position (GRCh38, 1-based): chr1:229,431,867, T>G on the plus strand (A>C on the coding strand, the complement: ACTA1 is on the minus strand). VCF-style: chr1-229431867-T-G. GRCh37 (hg19) VCF-style: chr1-229567614-T-G.
Other names: short protein forms N282H.
Identifiers: ClinVar variation 2128194 (VCV002128194.4), dbSNP rs2527436326, ClinGen allele CA345146107.